The following is an entry in ClinVar:

ClinVar aggregate classification (germline): Benign/Likely benign. Review status: criteria provided, multiple submitters, no conflicts (2 of 4 stars). 7 submissions from 7 submitters: Benign (5); Likely benign (2). Last evaluated 2026-08-01.

Conditions:
Early-infantile DEE. Also called: Early infantile epileptic encephalopathy with suppression bursts; Early infantile epileptic encephalopathy; Ohtahara syndrome. Identifiers: Orphanet 1934, MedGen C0393706, MONDO:0800491.
Inborn genetic diseases. Identifiers: MedGen C0950123, MeSH D030342.

Allele frequency attached by ClinVar (database versions not stated): gnomAD exomes 0.00033 and 0.00087; ExAC 0.00113; 1000 Genomes Project 0.00280; 1000 Genomes Project 30x 0.00297; gnomAD 0.00359 and 0.00385; ESP Exome Variant Server 0.00385; TOPMed 0.00425.
gnomAD v4.1: 1,044 of 1,613,632 alleles (0.065%); highest among the groups gnomAD compares: African/African-American, 1.3%; 4 homozygotes.

Submissions (7):

CeGaT Center for Human Genetics Tuebingen
Classification: Likely benign. Last evaluated: 2026-08-01. Review status: criteria provided, single submitter. Criteria: CeGaT Center For Human Genetics Tuebingen Variant Classification Criteria Version 2. Collection method: clinical testing. Allele origin: germline. Affected: yes. Observed: 3 variant alleles.
Comment: GNAO1: BP4, BS1

Labcorp Genetics (formerly Invitae), Labcorp
Classification: Benign for Early-infantile DEE. Last evaluated: 2026-02-03. Review status: criteria provided, single submitter. Criteria: Invitae Variant Classification Sherloc (09022015). Collection method: clinical testing. Allele origin: germline.

Blueprint Genetics
Classification: Likely benign. Last evaluated: 2024-09-11. Review status: criteria provided, single submitter. Criteria: ACMG Guidelines, 2015. Collection method: clinical testing. Allele origin: germline.

GeneDx
Classification: Benign. Last evaluated: 2019-08-15. Review status: criteria provided, single submitter. Criteria: GeneDx Variant Classification Process June 2021. Collection method: clinical testing. Allele origin: germline. Affected: yes.

Athena Diagnostics
Classification: Benign. Last evaluated: 2018-02-20. Review status: criteria provided, single submitter. Criteria: Athena Diagnostics Criteria. Collection method: clinical testing. Allele origin: germline.

Ambry Genetics
Classification: Benign for Inborn genetic diseases. Last evaluated: 2017-03-21. Review status: criteria provided, single submitter. Criteria: Ambry Variant Classification Scheme 2023. Collection method: clinical testing. Allele origin: germline.

Breakthrough Genomics
Classification: Benign. Review status: criteria provided, single submitter. Criteria: ACMG Guidelines, 2015. Collection method: not provided. Allele origin: germline. Inheritance: Autosomal dominant inheritance. Affected: yes.

NM_020988.3(GNAO1):c.921A>G (p.Gln307=)

Gene: GNAO1 (G protein subunit alpha o1; plus strand). Cytogenetic location: 16q13.
Variant type: single nucleotide variant.
Coding change: c.921A>G on transcript NM_020988.3 (MANE Select); coding-DNA position 921, A replaced by G.
Protein change: p.Gln307=; no amino-acid change (glutamine 307 retained).
Molecular consequence: synonymous variant.
Genome position (GRCh38, 1-based): chr16:56,354,909, A>G. VCF-style: chr16-56354909-A-G. GRCh37 (hg19) VCF-style: chr16-56388821-A-G.
Identifiers: ClinVar variation 415874 (VCV000415874.45), dbSNP rs148650019, ClinGen allele CA8064028.